The following is an entry in ClinVar:

NM_000153.4(GALC):c.500A>G (p.Asn167Ser)

Gene: GALC (galactosylceramidase; minus strand). Cytogenetic location: 14q31.3.
Variant type: single nucleotide variant.
Coding change: c.500A>G on transcript NM_000153.4 (MANE Select); coding-DNA position 500, A replaced by G.
Protein change: p.Asn167Ser; replaces asparagine 167 with serine.
Molecular consequence: missense variant.
Genome position (GRCh38, 1-based): chr14:87,984,476, T>C on the plus strand (A>G on the coding strand, the complement: GALC is on the minus strand). VCF-style: chr14-87984476-T-C. GRCh37 (hg19) VCF-style: chr14-88450820-T-C.
Other names: p.Asn167Ser; c.431A>G, p.Asn144Ser (NM_001201401.2); c.422A>G, p.Asn141Ser (NM_001201402.2); short protein forms N167S, N144S, N141S.
Identifiers: ClinVar variation 498178 (VCV000498178.10), dbSNP rs768993170, ClinGen allele CA7297344.

ClinVar aggregate classification (germline): Uncertain significance. Review status: criteria provided, multiple submitters, no conflicts (2 of 4 stars). 6 submissions from 6 submitters: Uncertain significance (6). Last evaluated 2026-02-09.

Conditions:
Inborn genetic diseases. Identifiers: MedGen C0950123, MeSH D030342.
Galactosylceramide beta-galactosidase deficiency. Also called: GALACTOCEREBROSIDASE DEFICIENCY; GALC DEFICIENCY; GLOBOID CELL LEUKOENCEPHALOPATHY; Leukodystrophy, Globoid Cell; Krabbe Disease. Identifiers: Orphanet 487, MedGen C0023521, MONDO:0009499, OMIM 245200.

Allele frequency attached by ClinVar (database versions not stated): gnomAD exomes 0.00004; TOPMed 0.00002; gnomAD 0.00003 and 0.00004; ExAC 0.00004.
gnomAD v4.1: 89 of 1,614,032 alleles (0.0055%); highest among the groups gnomAD compares: East Asian, 0.013%; no homozygotes.

Submissions (6):

Ambry Genetics
Classification: Uncertain significance for Inborn genetic diseases. Last evaluated: 2026-02-09. Review status: criteria provided, single submitter. Criteria: Ambry Variant Classification Scheme 2023. Collection method: clinical testing. Allele origin: germline.
Comment: The c.500A>G (p.N167S) alteration is located in exon 5 (coding exon 5) of the GALC gene. This alteration results from a A to G substitution at nucleotide position 500, causing the asparagine (N) at amino acid position 167 to be replaced by a serine (S). Based on data from gnomAD, the G allele has an overall frequency of 0.004% (9/249508) total alleles studied. The highest observed frequency was 0.01% (3/30598) of South Asian alleles. Based on insufficient or conflicting evidence, the clinical significance of this alteration remains unclear.

Labcorp Genetics (formerly Invitae), Labcorp
Classification: Uncertain significance for Galactosylceramide beta-galactosidase deficiency. Last evaluated: 2025-11-10. Review status: criteria provided, single submitter. Criteria: Invitae Variant Classification Sherloc (09022015). Collection method: clinical testing. Allele origin: germline.
Comment: This sequence change replaces asparagine, which is neutral and polar, with serine, which is neutral and polar, at codon 167 of the GALC protein (p.Asn167Ser). This variant is present in population databases (rs768993170, gnomAD 0.01%). This missense change has been observed in individual(s) with clinical features of Krabbe disease (PMID: 26795590). This variant is also known as p.N151S. ClinVar contains an entry for this variant (Variation ID: 498178). Invitae Evidence Modeling of protein sequence and biophysical properties (such as structural, functional, and spatial information, amino acid conservation, physicochemical variation, residue mobility, and thermodynamic stability) has been performed for this missense variant. However, the output from this modeling did not meet the statistical confidence thresholds required to predict the impact of this variant on GALC protein function. Experimental studies have shown that this missense change does not substantially affect GALC function (PMID: 27638593). In summary, the available evidence is currently insufficient to determine the role of this variant in disease. Therefore, it has been classified as a Variant of Uncertain Significance.

Mayo Clinic Laboratories, Mayo Clinic
Classification: Uncertain significance. Last evaluated: 2024-11-20. Review status: criteria provided, single submitter. Criteria: ACMG Guidelines, 2015. Collection method: clinical testing. Allele origin: germline. Observed: 1 variant allele.

Women's Health and Genetics/Laboratory Corporation of America, LabCorp
Classification: Uncertain significance. Last evaluated: 2022-11-04. Review status: criteria provided, single submitter. Criteria: LabCorp Variant Classification Summary - May 2015. Collection method: clinical testing. Allele origin: germline.
Comment: Variant summary: GALC c.500A>G (p.Asn167Ser) results in a conservative amino acid change in the encoded protein sequence. Five of five in-silico tools predict a benign effect of the variant on protein function. The variant allele was found at a frequency of 3.6e-05 in 249508 control chromosomes. The available data on variant occurrences in the general population are insufficient to allow any conclusion about variant significance. c.500A>G has been reported in the literature in individuals with low GALC activity via newborn screening, without strong evidence for causality (Orsini_2016). These reports do not provide unequivocal conclusions about association of the variant with Krabbe Disease. The variant was reported as having slightly reduced GALC activity compared to wild-type in COS1 cells (Saavedra-Martiz_2016). One clinical diagnostic laboratory has submitted clinical-significance assessments for this variant to ClinVar after 2014 without evidence for independent evaluation. One laboratory classified the variant as uncertain significance. Based on the evidence outlined above, the variant was classified as uncertain significance.

Fulgent Genetics
Classification: Uncertain significance for Galactosylceramide beta-galactosidase deficiency. Last evaluated: 2022-05-16. Review status: criteria provided, single submitter. Criteria: ACMG Guidelines, 2015. Collection method: clinical testing. Allele origin: unknown.

Eurofins Ntd Llc (ga)
Classification: Uncertain significance. Last evaluated: 2016-10-27. Review status: criteria provided, single submitter. Criteria: EGL Classification Definitions 2015. Collection method: clinical testing. Allele origin: germline. Observed: 1 variant allele, 1 heterozygote.

Literature cited by the submitters: PubMed 26795590 (cited by 3 submitters); PubMed 27638593 (cited by 3 submitters).